The following is an entry in ClinVar:

ClinVar aggregate classification (germline): Uncertain significance (1 of 4 stars; one submission).

Conditions:
Cowden syndrome (CS). Also called: Cowden's disease; Cowden's syndrome; Cowden disease. Identifiers: Orphanet 201, MedGen C0018553, MONDO:0016063. Disease mechanism: gain of function.

Submission:

Labcorp Genetics (formerly Invitae), Labcorp
Classification: Uncertain significance for Cowden syndrome. Last evaluated: 2024-02-26. Review status: criteria provided, single submitter. Criteria: Invitae Variant Classification Sherloc (09022015). Collection method: clinical testing. Allele origin: germline.
Comment: This sequence change creates a premature translational stop signal (p.Arg612*) in the PIK3CA gene. It is expected to result in an absent or disrupted protein product. However, the current clinical and genetic evidence is not sufficient to establish whether loss-of-function variants in PIK3CA cause disease. This variant is not present in population databases (gnomAD no frequency). This variant has not been reported in the literature in individuals affected with PIK3CA-related conditions. ClinVar contains an entry for this variant (Variation ID: 2173200). In summary, the available evidence is currently insufficient to determine the role of this variant in disease. Therefore, it has been classified as a Variant of Uncertain Significance.

NM_006218.4(PIK3CA):c.1834C>T (p.Arg612Ter)

Gene: PIK3CA (phosphatidylinositol-4,5-bisphosphate 3-kinase catalytic subunit alpha; plus strand). Cytogenetic location: 3q26.32.
Variant type: single nucleotide variant.
Coding change: c.1834C>T on transcript NM_006218.4 (MANE Select); coding-DNA position 1834, C replaced by T.
Protein change: p.Arg612Ter; replaces arginine 612 with a stop codon.
Molecular consequence: nonsense.
Genome position (GRCh38, 1-based): chr3:179,219,658, C>T. VCF-style: chr3-179219658-C-T. GRCh37 (hg19) VCF-style: chr3-178937446-C-T.
Other names: short protein forms R612*.
Identifiers: ClinVar variation 2173200 (VCV002173200.4), dbSNP rs2108410946, ClinGen allele CA355266477.